The following is an entry in ClinVar:

ClinVar aggregate classification (germline): Conflicting classifications of pathogenicity. Review status: criteria provided, conflicting classifications (1 of 4 stars). 11 submissions from 11 submitters: Uncertain significance (8); Likely benign (1). 2 of the submissions do not count toward it. Last evaluated 2025-12-20.

Conditions:
Hereditary cancer-predisposing syndrome. Also called: Neoplastic Syndromes, Hereditary; Tumor predisposition; Hereditary Cancer Syndrome; Hereditary neoplastic syndrome. Identifiers: Orphanet 140162, MedGen C0027672, MeSH D009386, MONDO:0015356.
Hereditary breast ovarian cancer syndrome. Also called: Hereditary breast and ovarian cancer syndrome; Hereditary breast and ovarian cancer; Hereditary breast and ovarian cancer syndrome (HBOC); Breast and ovarian cancer; Hereditary breast and/or ovarian cancer syndrome; BRCA1- and BRCA2-Associated Hereditary Breast and Ovarian Cancer. Identifiers: Orphanet 145, MedGen C0677776, MeSH D061325, MONDO:0003582. Disease mechanism: loss of function.
Breast-ovarian cancer, familial, susceptibility to, 2 (BROVCA2). Also called: BRCA2 Hereditary Breast and Ovarian Cancer. Identifiers: Orphanet 145, MedGen C2675520, MONDO:0012933, OMIM 612555. Disease mechanism: loss of function.
BRCA2-related cancer predisposition. Identifiers: MedGen CN377758, MONDO:0700269.
Familial cancer of breast. Also called: BREAST CANCER, FAMILIAL; Hereditary breast cancer; hereditary breast carcinoma. Identifiers: Orphanet 227535, MedGen C0346153, MONDO:0016419, OMIM 114480. Disease mechanism: loss of function.

Allele frequency attached by ClinVar (database versions not stated): gnomAD exomes below 0.00001; ExAC 0.00001.
gnomAD v4.1: 2 of 1,605,084 alleles (0.00012%); highest among the groups gnomAD compares: East Asian, 0.0022%; no homozygotes.

Submissions (11):

Labcorp Genetics (formerly Invitae), Labcorp
Classification: Uncertain significance for Hereditary breast ovarian cancer syndrome. Last evaluated: 2025-12-20. Review status: criteria provided, single submitter. Criteria: Invitae Variant Classification Sherloc (09022015). Collection method: clinical testing. Allele origin: germline.
Comment: This sequence change replaces glutamine, which is neutral and polar, with glutamic acid, which is acidic and polar, at codon 609 of the BRCA2 protein (p.Gln609Glu). This variant is present in population databases (rs80358472, gnomAD no frequency). This missense change has been observed in individual(s) with breast cancer and an unaffected control individual (PMID: 17972177, 18627636, 28222693). This variant is also known as 2053C>G. ClinVar contains an entry for this variant (Variation ID: 51208). Invitae Evidence Modeling of protein sequence and biophysical properties (such as structural, functional, and spatial information, amino acid conservation, physicochemical variation, residue mobility, and thermodynamic stability) indicates that this missense variant is not expected to disrupt BRCA2 protein function with a negative predictive value of 95%. In summary, the available evidence is currently insufficient to determine the role of this variant in disease. Therefore, it has been classified as a Variant of Uncertain Significance.

Color Diagnostics, LLC DBA Color Health
Classification: Uncertain significance for Hereditary cancer-predisposing syndrome. Last evaluated: 2025-11-07. Review status: criteria provided, single submitter. Criteria: ACMG Guidelines, 2015. Collection method: clinical testing. Allele origin: germline.
Comment: This missense variant replaces glutamine with glutamic acid at codon 609 of the BRCA2 protein. Computational prediction suggests that this variant may not impact protein structure and function. To our knowledge, functional studies have not been reported for this variant. Case reports and a case-control study have reported this variant in 2 individuals affected with breast cancer and in an unaffected control individual (PMID: 17972177, 18627636, 28222693). This variant also has been detected in a breast cancer case-control meta-analysis in 8/60466 cases and 4/53461 unaffected individuals (PMID: 33471991LOVD DB-ID BRCA2_001923). Multifactorial analysis reached a combined likelihood ratio (LR) of 0.563 based on case-control data and personal and family history for 3 carriers (PMID: 31853058, 40413188). This variant has been identified in 1/240112 chromosomes in the general population by the Genome Aggregation Database (gnomAD). The available evidence is insufficient to determine the role of this variant in disease conclusively. Therefore, this variant is classified as a Variant of Uncertain Significance.

GeneDx
Classification: Uncertain significance. Last evaluated: 2024-12-05. Review status: criteria provided, single submitter. Criteria: GeneDx Variant Classification Process June 2021. Collection method: clinical testing. Allele origin: germline. Affected: yes.
Comment: Not observed at significant frequency in large population cohorts (gnomAD); In silico analysis indicates that this missense variant does not alter protein structure/function; Also known as 2053C>G; This variant is associated with the following publications: (PMID: 28222693, 10923033, 18627636, 17972177, 29884841, 31853058, 29684080, 32377563, 33471991, 32467295, 39440754)

Ambry Genetics
Classification: Uncertain significance for Hereditary cancer-predisposing syndrome. Last evaluated: 2024-10-07. Review status: criteria provided, single submitter. Criteria: Ambry Variant Classification Scheme 2023. Collection method: clinical testing. Allele origin: germline.
Comment: The p.Q609E variant (also known as c.1825C>G), located in coding exon 9 of the BRCA2 gene, results from a C to G substitution at nucleotide position 1825. The glutamine at codon 609 is replaced by glutamic acid, an amino acid with highly similar properties. In a large case-control study using multi-ethnic Asian cohorts, this variant was detected in 2/1218 breast cancer patients and 1/1464 healthy controls (Lai KN et al. BMC Cancer, 2017 02;17:149).This amino acid position is not well conserved in available vertebrate species. In addition, this alteration is predicted to be tolerated by in silico analysis. Based on the available evidence, the clinical significance of this variant remains unclear.

All of Us Research Program, National Institutes of Health
Classification: Uncertain significance for BRCA2-related cancer predisposition. Last evaluated: 2024-07-10. Review status: criteria provided, single submitter. Criteria: ACMG Guidelines, 2015. Collection method: clinical testing. Allele origin: germline. Inheritance: Autosomal dominant inheritance. Observed: 2 variant alleles, 2 heterozygotes.
Comment: This missense variant replaces glutamine with glutamic acid at codon 609 of the BRCA2 protein. Computational prediction suggests that this variant may not impact protein structure and function. To our knowledge, functional studies have not been reported for this variant. This variant has been reported in individuals affected with breast cancer and in an unaffected control individual (PMID: 17972177, 18627636, 28222693). In a large breast cancer case-control study conducted by the BRIDGES consortium, this variant was reported in 8/60466 cases and 4/53461 controls; OR=1.768 (95%CI 0.532 to 5.873); Leiden Open Variation Database DB-ID BRCA2_001923 (PMID: 33471991). This variant has been identified in 1/240112 chromosomes in the general population by the Genome Aggregation Database (gnomAD). The available evidence is insufficient to determine the role of this variant in disease conclusively. Therefore, this variant is classified as a Variant of Uncertain Significance.

This study involves interpretation of variants in research participants for the purpose of population health screening. Participant phenotype was not available at the time of variant classification. Additional details can be found in publication PMID: 35346344, PMCID: PMC8962531

Department of Pathology and Laboratory Medicine, Sinai Health System
Classification: Uncertain significance for Familial cancer of breast; Breast-ovarian cancer, familial, susceptibility to, 2. Last evaluated: 2023-11-03. Review status: criteria provided, single submitter. Criteria: ACMG Guidelines, 2015. Collection method: clinical testing. Allele origin: germline. Affected: yes.

University of Washington Department of Laboratory Medicine, University of Washington
Classification: Likely benign for Hereditary cancer-predisposing syndrome. Last evaluated: 2023-03-23. Review status: criteria provided, single submitter. Criteria: Dines et al. (Genet Med. 2020). Collection method: curation. Allele origin: germline.
Comment: Missense variant in a coldspot region where missense variants are very unlikely to be pathogenic (PMID:31911673).

BRCA2 exon 10 coldspot. Reclassification based on statistical prior probability.

Women's Health and Genetics/Laboratory Corporation of America, LabCorp
Classification: Uncertain significance. Last evaluated: 2021-08-13. Review status: criteria provided, single submitter. Criteria: LabCorp Variant Classification Summary - May 2015. Collection method: clinical testing. Allele origin: germline.
Comment: Variant summary: BRCA2 c.1825C>G (p.Gln609Glu) results in a conservative amino acid change in the encoded protein sequence. Four of five in-silico tools predict a benign effect of the variant on protein function. The variant allele was found at a frequency of 4.2e-06 in 240112 control chromosomes. The available data on variant occurrences in the general population are insufficient to allow any conclusion about variant significance. c.1825C>G has been reported in the literature in individuals affected breast cancer (Lai_2017, Purnomosari_2007, Thirthagiri_2008) but as well as in controls (Lai_2017). These reports however, do not provide unequivocal conclusions about association of the variant with Hereditary Breast and Ovarian Cancer Syndrome. Co-occurrence with another pathogenic variant has been reported (BRCA2 c.4631delA, p.Asn1544ThrfsX24; internal database), providing supporting evidence for a benign role. To our knowledge, no experimental evidence demonstrating an impact on protein function has been reported. Four ClinVar submitters (evaluation after 2014) cite the variant as uncertain significance. Based on the evidence outlined above, the variant was classified as uncertain significance.

ARUP Laboratories, Molecular Genetics and Genomics, ARUP Laboratories
Classification: Uncertain significance. Last evaluated: 2016-11-01. Review status: criteria provided, single submitter. Criteria: ARUP Molecular Germline Variant Investigation Process. Collection method: clinical testing. Allele origin: germline.

Sharing Clinical Reports Project (SCRP)
Classification: Uncertain significance for Breast-ovarian cancer, familial 2. Last evaluated: 2011-05-24. Review status: no assertion criteria provided. Collection method: clinical testing. Allele origin: germline. Not counted in ClinVar's aggregate classification.

Breast Cancer Information Core (BIC) (BRCA2)
Classification: Uncertain significance for Breast-ovarian cancer, familial 2. Last evaluated: 2010-09-18. Review status: no assertion criteria provided. Collection method: clinical testing. Allele origin: germline. Affected: yes. Observed: 1 variant allele. Not counted in ClinVar's aggregate classification.

Literature cited by the submitters: PubMed 17972177 (cited by 6 submitters); PubMed 18627636 (cited by 5 submitters); PubMed 28222693 (cited by 6 submitters); PubMed 31853058 (cited by Color Diagnostics, LLC DBA Color Health); PubMed 33471991 (cited by 3 submitters); PubMed 40413188 (cited by Color Diagnostics, LLC DBA Color Health); PubMed 29625053 (cited by Ambry Genetics).

NM_000059.4(BRCA2):c.1825C>G (p.Gln609Glu)

Gene: BRCA2 (BRCA2 DNA repair associated; plus strand). Cytogenetic location: 13q13.1.
Variant type: single nucleotide variant.
Coding change: c.1825C>G on transcript NM_000059.4 (MANE Select); coding-DNA position 1825, C replaced by G.
Protein change: p.Gln609Glu; replaces glutamine 609 with glutamic acid.
Molecular consequence: missense variant.
Genome position (GRCh38, 1-based): chr13:32,333,303, C>G. VCF-style: chr13-32333303-C-G. GRCh37 (hg19) VCF-style: chr13-32907440-C-G.
Other names: 2053C>G; short protein forms Q609E.
Identifiers: ClinVar variation 51208 (VCV000051208.33), dbSNP rs80358472, ClinGen allele CA013481.